The following is an entry in ClinVar:

NM_017436.7(A4GALT):c.72dup (p.Ile25fs)

Gene: A4GALT (alpha 1,4-galactosyltransferase (P1PK blood group); minus strand). Cytogenetic location: 22q13.2.
Variant type: Duplication.
Coding change: c.72dup on transcript NM_017436.7 (MANE Select); coding-DNA position 72, one base duplicated (C; older notation c.72dupC).
Protein change: p.Ile25fs; shifts the reading frame from isoleucine 25.
Molecular consequence: frameshift variant.
Genome position (GRCh38, 1-based): chr22:42,693,880, G duplicated on the plus strand (C on the coding strand, the reverse complement: A4GALT is on the minus strand). VCF-style (leftmost placement, unchanged base first): chr22-42693879-T-TG. GRCh37 (hg19) VCF-style: chr22-43089885-T-TG.
Other names: c.72dup, p.Ile25fs (NM_001318038.3); short protein forms I25fs.
Identifiers: ClinVar variation 3358884 (VCV003358884.1).
Genomic context (GRCh38, chr22:42,693,879, plus strand): 5'-CTCCCACAACGTGCCAGTAGATCATGATGGAGACGAAAAACGTGAACTTGAAGCCGATGA[T>TG]GAACAGGGTGCAGACCCGCTGCCTTGGGGCGCCCCGGAGCAGCCGCAGCAGGAGGTCGGG-3'

ClinVar aggregate classification (germline): Affects (0 of 4 stars; one submission).

Conditions:
Blood group, P1PK system. Identifiers: MedGen C3549485, OMIM 111400.

Submission:

National Institute of Immunohaematology, Indian Council of Medical Research
Classification: Affects for Blood group, P1PK system. Review status: no assertion criteria provided. Collection method: research. Allele origin: inherited. Affected: yes.
Comment: The NM_017436.4, c.72dupC, is a frameshift insertion in a exon 3 of a A4GALT gene which is predicted to result in a premature termination of protein, and likely results in absent or disrupted protein product (A4GALT). Individuals with the p phenotype lack the P, P1, and P(k) antigens. The anti-PP1Pk antibody has been naturally produced in p phenotype individual. These antibodies are responsible for severe hemolytic transfusion reactions and haemolytic disease of new born. This phenotype confirmed by serological assay using preserved anti-PP1Pk antibody. Till date, this novel variant is not present in gnomAD and not reported in literature. In summary, this variant meets criteria to be classified as affecting for rare p phenotype based on an online resource.

Literature cited by the submitters: DOI 10.1111/trf.12355; DOI 10.1074/jbc.C000625200; DOI 10.1111/j.1365-2141.2004.04930.x.